The following is an entry in ClinVar:

NM_177438.3(DICER1):c.187T>G (p.Cys63Gly)

Gene: DICER1 (dicer 1, ribonuclease III; minus strand). Cytogenetic location: 14q32.13.
Variant type: single nucleotide variant.
Coding change: c.187T>G on transcript NM_177438.3 (MANE Select); coding-DNA position 187, T replaced by G.
Protein change: p.Cys63Gly; replaces cysteine 63 with glycine.
Molecular consequence: missense variant. On other transcripts: 5 prime UTR variant (9), non-coding transcript variant (6).
Genome position (GRCh38, 1-based): chr14:95,132,635, A>C on the plus strand (T>G on the coding strand, the complement: DICER1 is on the minus strand). VCF-style: chr14-95132635-A-C. GRCh37 (hg19) VCF-style: chr14-95598972-A-C.
Other names: c.187T>G, p.Cys63Gly (NM_001195573.1, NM_001271282.3, NM_001291628.2 and 15 more transcripts); c.-88T>G (NM_001395686.1, NM_001395687.1, NM_001395688.1 and 4 more transcripts); c.-272T>G (NM_001395691.1); c.-1382T>G (NM_001395697.1); short protein forms C63G.
Identifiers: ClinVar variation 2839802 (VCV002839802.3), dbSNP rs2543371218, ClinGen allele CA390890042.

ClinVar aggregate classification (germline): Uncertain significance (1 of 4 stars; one submission).

Conditions:
DICER1-related tumor predisposition. Also called: DICER1-related pleuropulmonary blastoma cancer predisposition syndrome; DICER1 syndrome. Identifiers: Orphanet 284343, MedGen C3839822, MONDO:0100216.

Submission:

Labcorp Genetics (formerly Invitae), Labcorp
Classification: Uncertain significance for DICER1-related tumor predisposition. Last evaluated: 2023-02-22. Review status: criteria provided, single submitter. Criteria: Invitae Variant Classification Sherloc (09022015). Collection method: clinical testing. Allele origin: germline.
Comment: In summary, the available evidence is currently insufficient to determine the role of this variant in disease. Therefore, it has been classified as a Variant of Uncertain Significance. Advanced modeling of protein sequence and biophysical properties (such as structural, functional, and spatial information, amino acid conservation, physicochemical variation, residue mobility, and thermodynamic stability) performed at Invitae indicates that this missense variant is expected to disrupt DICER1 protein function. This variant has not been reported in the literature in individuals affected with DICER1-related conditions. This variant is not present in population databases (gnomAD no frequency). This sequence change replaces cysteine, which is neutral and slightly polar, with glycine, which is neutral and non-polar, at codon 63 of the DICER1 protein (p.Cys63Gly).